The following is an entry in ClinVar:

ClinVar aggregate classification (germline): Uncertain significance (1 of 4 stars; one submission).

Conditions:
Predisposition to invasive fungal disease due to CARD9 deficiency (IMD103). Also called: Candidiasis, familial, 2, autosomal recessive; CARD9 IMMUNODEFICIENCY; IMMUNODEFICIENCY 103, SUSCEPTIBILITY TO FUNGAL INFECTIONS. Identifiers: Orphanet 457088, MedGen C1859353, MONDO:0008905, OMIM 212050.

Allele frequency attached by ClinVar (database versions not stated): gnomAD exomes below 0.00001.
gnomAD v4.1: 3 of 1,597,780 alleles (0.00019%); highest among the groups gnomAD compares: Non-Finnish European, 0.00017%; no homozygotes.

Submission:

Labcorp Genetics (formerly Invitae), Labcorp
Classification: Uncertain significance for Predisposition to invasive fungal disease due to CARD9 deficiency. Last evaluated: 2023-08-04. Review status: criteria provided, single submitter. Criteria: Invitae Variant Classification Sherloc (09022015). Collection method: clinical testing. Allele origin: germline.
Comment: In summary, the available evidence is currently insufficient to determine the role of this variant in disease. Therefore, it has been classified as a Variant of Uncertain Significance. Advanced modeling of protein sequence and biophysical properties (such as structural, functional, and spatial information, amino acid conservation, physicochemical variation, residue mobility, and thermodynamic stability) has been performed at Invitae for this missense variant, however the output from this modeling did not meet the statistical confidence thresholds required to predict the impact of this variant on CARD9 protein function. This sequence change replaces tyrosine, which is neutral and polar, with cysteine, which is neutral and slightly polar, at codon 86 of the CARD9 protein (p.Tyr86Cys). This variant is not present in population databases (gnomAD no frequency). This variant has not been reported in the literature in individuals affected with CARD9-related conditions. ClinVar contains an entry for this variant (Variation ID: 1002642).

NM_052813.5(CARD9):c.257A>G (p.Tyr86Cys)

Gene: CARD9 (caspase recruitment domain family member 9; minus strand). Cytogenetic location: 9q34.3.
Variant type: single nucleotide variant.
Coding change: c.257A>G on transcript NM_052813.5 (MANE Select); coding-DNA position 257, A replaced by G.
Protein change: p.Tyr86Cys; replaces tyrosine 86 with cysteine.
Molecular consequence: missense variant.
Genome position (GRCh38, 1-based): chr9:136,371,389, T>C on the plus strand (A>G on the coding strand, the complement: CARD9 is on the minus strand). VCF-style: chr9-136371389-T-C. GRCh37 (hg19) VCF-style: chr9-139265841-T-C.
Other names: c.257A>G, p.Tyr86Cys (NM_052814.4); short protein forms Y86C.
Identifiers: ClinVar variation 1002642 (VCV001002642.6), dbSNP rs1049019466, ClinGen allele CA201615195.
Genomic context (GRCh38, chr9:136,371,389, plus strand): 5'-ATCATGGAGAAGACGCGGGCCGGCTCCTTGCCTGTGACCTTCTTGTACAGCTGCGGGTAG[T>C]AGAGCTCCAGGCTCTCGAGGAAGGCCACGTAGCCCTTGTGGCCGGTCCGCTGCAGGATGT-3'
Protein context (NP_434700.2, residues 76-96): YVAFLESLEL[Tyr86Cys]YPQLYKKVTG